The following is an entry in ClinVar:

NM_201525.4(ADGRG1):c.1287-6G>A

Gene: ADGRG1 (adhesion G protein-coupled receptor G1; plus strand). Cytogenetic location: 16q21.
Variant type: single nucleotide variant.
Coding change: c.1287-6G>A on transcript NM_201525.4 (MANE Select); 6 bases into the intron before coding-DNA position 1287, G replaced by A.
Molecular consequence: intron variant. On other transcripts: synonymous variant (10).
Genome position (GRCh38, 1-based): chr16:57,659,407, G>A. VCF-style: chr16-57659407-G-A. GRCh37 (hg19) VCF-style: chr16-57693319-G-A.
Other names: c.1299G>A, p.Pro433= (NM_001145771.3, NM_001370428.1, NM_001370429.1 and 4 more transcripts); c.789G>A, p.Pro263= (NM_001290142.2); c.774G>A, p.Pro258= (NM_001290143.2); c.1296G>A, p.Pro432= (NM_001370434.1); c.1287-6G>A (NM_001370440.1, NM_001370436.1, NM_001370438.1 and 7 more transcripts); c.762-6G>A (NM_001370451.1, NM_001370453.1, NM_001370454.1 and 1 more transcripts); c.1131-6G>A (NM_001370442.1); c.1302-6G>A (NM_001370433.1, NM_001145773.3); and 1 more.
Identifiers: ClinVar variation 425108 (VCV000425108.59), dbSNP rs112805221, ClinGen allele CA8078727.

ClinVar aggregate classification (germline): Conflicting classifications of pathogenicity. Review status: criteria provided, conflicting classifications (1 of 4 stars). 5 submissions from 5 submitters: Uncertain significance (2); Likely benign (1). 2 of the submissions do not count toward it. Last evaluated 2026-01-26.

Conditions:
ADGRG1-related disorder. Also called: ADGRG1-related condition.
Bilateral frontoparietal polymicrogyria. Also called: CEREBELLAR ATAXIA WITH NEURONAL MIGRATION DEFECT; CORTICAL DYSPLASIA, COMPLEX, WITH OTHER BRAIN MALFORMATIONS 14A (BILATERAL FRONTOPARIETAL). Identifiers: Orphanet 101070, MedGen C1847352, MONDO:0011738, OMIM 606854.

Allele frequency attached by ClinVar (database versions not stated): gnomAD 0.00014 and 0.00016; TOPMed 0.00020; gnomAD exomes 0.00022 and 0.00027; ExAC 0.00025; ESP Exome Variant Server 0.00031.
gnomAD v4.1: 352 of 1,613,204 alleles (0.022%); highest among the groups gnomAD compares: Middle Eastern, 0.16%; 1 homozygote.

Submissions (5):

Labcorp Genetics (formerly Invitae), Labcorp
Classification: Likely benign. Last evaluated: 2026-01-26. Review status: criteria provided, single submitter. Criteria: Invitae Variant Classification Sherloc (09022015). Collection method: clinical testing. Allele origin: germline.

Illumina Laboratory Services, Illumina
Classification: Uncertain significance for Bilateral frontoparietal polymicrogyria. Last evaluated: 2018-01-13. Review status: criteria provided, single submitter. Criteria: ICSL Variant Classification Criteria 13 December 2019. Collection method: clinical testing. Allele origin: germline.

CeGaT Center for Human Genetics Tuebingen
Classification: Uncertain significance. Last evaluated: 2017-01-01. Review status: criteria provided, single submitter. Criteria: CeGaT Center For Human Genetics Tuebingen Variant Classification Criteria Version 2. Collection method: clinical testing. Allele origin: germline. Affected: yes. Observed: 1 variant allele.

Natera, Inc.
Classification: Likely benign for Bilateral frontoparietal polymicrogyria. Last evaluated: 2020-06-03. Review status: no assertion criteria provided. Collection method: clinical testing. Allele origin: germline. Not counted in ClinVar's aggregate classification.

PreventionGenetics, part of Exact Sciences
Classification: Likely benign for ADGRG1-related condition. Last evaluated: 2019-08-09. Review status: no assertion criteria provided. Collection method: clinical testing. Allele origin: germline. Not counted in ClinVar's aggregate classification.
Comment: This variant is classified as likely benign based on ACMG/AMP sequence variant interpretation guidelines (Richards et al. 2015 PMID: 25741868, with internal and published modifications).